The following is an entry in ClinVar:

ClinVar aggregate classification (germline): Uncertain significance (1 of 4 stars; one submission).

Submission:

Labcorp Genetics (formerly Invitae), Labcorp
Classification: Uncertain significance. Last evaluated: 2023-04-29. Review status: criteria provided, single submitter. Criteria: Invitae Variant Classification Sherloc (09022015). Collection method: clinical testing. Allele origin: germline.
Comment: In summary, the available evidence is currently insufficient to determine the role of this variant in disease. Therefore, it has been classified as a Variant of Uncertain Significance. An algorithm developed to predict the effect of missense changes on protein structure and function (PolyPhen-2) suggests that this variant is likely to be disruptive. This variant has not been reported in the literature in individuals affected with CARD8-related conditions. This variant is not present in population databases (gnomAD no frequency). This sequence change replaces leucine, which is neutral and non-polar, with phenylalanine, which is neutral and non-polar, at codon 200 of the CARD8 protein (p.Leu200Phe).

NM_001184900.3(CARD8):c.748C>T (p.Leu250Phe)

Gene: CARD8 (caspase recruitment domain family member 8; minus strand). Cytogenetic location: 19q13.33.
Variant type: single nucleotide variant.
Coding change: c.748C>T on transcript NM_001184900.3 (MANE Select); coding-DNA position 748, C replaced by T.
Protein change: p.Leu250Phe; replaces leucine 250 with phenylalanine.
Molecular consequence: missense variant. On other transcripts: non-coding transcript variant (4).
Genome position (GRCh38, 1-based): chr19:48,230,801, G>A on the plus strand (C>T on the coding strand, the complement: CARD8 is on the minus strand). VCF-style: chr19-48230801-G-A. GRCh37 (hg19) VCF-style: chr19-48734058-G-A.
Other names: c.598C>T, p.Leu200Phe (NM_001184901.1, NM_001351783.2, NM_001351788.2 and 2 more transcripts); c.748C>T, p.Leu250Phe (NM_001184902.2, NM_001184903.1, NM_001351782.2); c.433C>T, p.Leu145Phe (NM_001351784.2, NM_001351787.2, NM_001351791.2 and 2 more transcripts); c.412C>T, p.Leu138Phe (NM_001351786.2); c.505C>T, p.Leu169Phe (NM_001351790.2); c.-75C>T (NM_001426741.1); short protein forms L138F, L250F, L169F, L145F, L200F.
Identifiers: ClinVar variation 2860620 (VCV002860620.3), dbSNP rs2514721145, ClinGen allele CA406644218.
Genomic context (GRCh38, chr19:48,230,801, plus strand): 5'-CAGCGGCCCCCACAGCCTCCGCTCACCCCACATTACCTTGGAGGGAGATGAAGTGGGGGA[G>A]GTGGATTTCGGCGACAGCCTCCTCTGGCTCTGCAGTGACATCAAACAAGGGGCCGCCCAC-3'
Protein context (NP_001171829.1, residues 240-260): EPEEAVAEIH[Leu250Phe]PHFISLQAGE